The following is an entry in ClinVar:

NM_006015.6(ARID1A):c.3487C>T (p.Pro1163Ser)

Genes: ARID1A (AT-rich interaction domain 1A; plus strand), LOC126805670 (CDK7 strongly-dependent group 2 enhancer GRCh37_chr1:27098665-27099864; plus strand). Cytogenetic location: 1p36.11.
Variant type: single nucleotide variant.
Coding change: c.3487C>T on transcript NM_006015.6 (MANE Select); coding-DNA position 3487, C replaced by T.
Protein change: p.Pro1163Ser; replaces proline 1163 with serine.
Molecular consequence: missense variant.
Genome position (GRCh38, 1-based): chr1:26,772,580, C>T. VCF-style: chr1-26772580-C-T. GRCh37 (hg19) VCF-style: chr1-27099071-C-T.
Other names: c.3487C>T, p.Pro1163Ser (NM_139135.4); short protein forms P1163S.
Identifiers: ClinVar variation 3234951 (VCV003234951.1), dbSNP rs2124104504, ClinGen allele CA339166340.
Genomic context (GRCh38, chr1:26,772,580, plus strand): 5'-GGGCCCCAGACTCCCCAGTCAACCAGCAGTTCCATGGCAGAAGGAGGAGACTTAAAGCCA[C>T]CAACTCCAGCATCCACACCACACAGTCAGATCCCCCCATTGCCAGGCATGAGGTAAGGCC-3'
Protein context (NP_006006.3, residues 1153-1173): SMAEGGDLKP[Pro1163Ser]TPASTPHSQI

ClinVar aggregate classification (germline): Uncertain significance (1 of 4 stars; one submission).

Conditions:
Coffin-Siris syndrome 1 (CSS1). Also called: Mental retardation, autosomal dominant 12; ARID1B-Related Coffin-Siris Syndrome. Identifiers: Orphanet 1465, MedGen C3281201, MONDO:0007617, OMIM 135900. Disease mechanism: gain of function.

Submission:

Neuberg Centre For Genomic Medicine, NCGM
Classification: Uncertain significance for Coffin-Siris syndrome 1. Review status: criteria provided, single submitter. Criteria: ACMG Guidelines, 2015. Collection method: clinical testing. Allele origin: germline. Inheritance: Autosomal dominant inheritance. Affected: yes.
Comment: The missense variant c.3487C>T p.Pro1163Ser in the ARID1A gene has not been reported previously as a pathogenic variant nor as a benign variant, to our knowledge. This variant is novel not in any individuals in gnomAD Exomes and 1000 Genomes. The amino acid Proline at position 1163 is changed to a Serine changing protein sequence and it might alter its composition and physico-chemical properties. The variant is predicted as damaging by SIFT. The amino acid change p.Pro1163Ser in ARID1A is predicted as conserved by GERP++ and PhyloP across 100 vertebrates. For these reasons, this variant has been classified as Uncertain Significance